The following is an entry in ClinVar:

NM_000039.3(APOA1):c.397C>G (p.Gln133Glu)

Genes: APOA1 (apolipoprotein A1; minus strand), APOA1-AS (APOA1 antisense RNA; plus strand). Cytogenetic location: 11q23.3.
Variant type: single nucleotide variant.
Coding change: c.397C>G on transcript NM_000039.3 (MANE Select); coding-DNA position 397, C replaced by G.
Protein change: p.Gln133Glu; replaces glutamine 133 with glutamic acid.
Molecular consequence: missense variant. On other transcripts: non-coding transcript variant (1).
Genome position (GRCh38, 1-based): chr11:116,836,215, G>C on the plus strand (C>G on the coding strand, the complement: APOA1 is on the minus strand). VCF-style: chr11-116836215-G-C. GRCh37 (hg19) VCF-style: chr11-116706931-G-C.
Other names: c.397C>G, p.Gln133Glu (NM_001318017.2, NM_001318018.2); c.70C>G, p.Gln24Glu (NM_001318021.2); short protein forms Q24E, Q133E.
Identifiers: ClinVar variation 2452145 (VCV002452145.2), dbSNP rs1477406012, ClinGen allele CA382716102.

ClinVar aggregate classification (germline): Uncertain significance (1 of 4 stars; one submission).

Conditions:
Cardiovascular phenotype. Identifiers: MedGen CN230736.

Allele frequency attached by ClinVar (database versions not stated): gnomAD exomes below 0.00001; TOPMed below 0.00001; gnomAD 0.00001.
gnomAD v4.1: 2 of 1,613,938 alleles (0.00012%); highest among the groups gnomAD compares: African/African-American, 0.0027%; no homozygotes.

Submission:

Ambry Genetics
Classification: Uncertain significance for Cardiovascular phenotype. Last evaluated: 2023-03-07. Review status: criteria provided, single submitter. Criteria: Ambry Variant Classification Scheme 2023. Collection method: clinical testing. Allele origin: germline.
Comment: The p.Q133E variant (also known as c.397C>G), located in coding exon 3 of the APOA1 gene, results from a C to G substitution at nucleotide position 397. The glutamine at codon 133 is replaced by glutamic acid, an amino acid with highly similar properties. This amino acid position is conserved. In addition, this alteration is predicted to be tolerated by in silico analysis. Since supporting evidence is limited at this time, the clinical significance of this alteration remains unclear.